The following is an entry in ClinVar:

NM_000257.4(MYH7):c.4013A>C (p.His1338Pro)

Gene: MYH7 (myosin heavy chain 7; minus strand). Cytogenetic location: 14q11.2.
Variant type: single nucleotide variant.
Coding change: c.4013A>C on transcript NM_000257.4 (MANE Select); coding-DNA position 4013, A replaced by C.
Protein change: p.His1338Pro; replaces histidine 1338 with proline.
Molecular consequence: missense variant.
Genome position (GRCh38, 1-based): chr14:23,418,366, T>G on the plus strand (A>C on the coding strand, the complement: MYH7 is on the minus strand). VCF-style: chr14-23418366-T-G. GRCh37 (hg19) VCF-style: chr14-23887575-T-G.
Other names: short protein forms H1338P.
Identifiers: ClinVar variation 970417 (VCV000970417.9), dbSNP rs1892317615, ClinGen allele CA389041232.

ClinVar aggregate classification (germline): Uncertain significance (1 of 4 stars; one submission).

Conditions:
Hypertrophic cardiomyopathy. Also called: HYPERTROPHIC MYOCARDIOPATHY. Identifiers: Orphanet 217569, MedGen C0007194, MeSH D002312, MONDO:0005045, HP:0001639.

Submission:

Labcorp Genetics (formerly Invitae), Labcorp
Classification: Uncertain significance for Hypertrophic cardiomyopathy. Last evaluated: 2020-01-24. Review status: criteria provided, single submitter. Criteria: Invitae Variant Classification Sherloc (09022015). Collection method: clinical testing. Allele origin: germline.
Comment: This sequence change replaces histidine with proline at codon 1338 of the MYH7 protein (p.His1338Pro). The histidine residue is highly conserved and there is a moderate physicochemical difference between histidine and proline. In summary, the available evidence is currently insufficient to determine the role of this variant in disease. Therefore, it has been classified as a Variant of Uncertain Significance. Algorithms developed to predict the effect of missense changes on protein structure and function are either unavailable or do not agree on the potential impact of this missense change (SIFT: "Deleterious"; PolyPhen-2: "Probably Damaging"; Align-GVGD: "Class C0"). This variant has not been reported in the literature in individuals with MYH7-related conditions. This variant is not present in population databases (ExAC no frequency).